The following is an entry in ClinVar:

ClinVar aggregate classification (germline): Uncertain significance (1 of 4 stars; one submission).

Conditions:
Familial thoracic aortic aneurysm and aortic dissection (TAAD). Also called: Thoracic aortic aneurysms and dissections. Identifiers: Orphanet 91387, MedGen C4707243, MONDO:0019625.

gnomAD v4.1: 1 of 1,614,170 alleles (0.000062%); highest among the groups gnomAD compares: Non-Finnish European, 0.000085%; no homozygotes.

Submission:

Ambry Genetics
Classification: Uncertain significance for Familial thoracic aortic aneurysm and aortic dissection. Last evaluated: 2026-02-19. Review status: criteria provided, single submitter. Criteria: Ambry Variant Classification Scheme 2023. Collection method: clinical testing. Allele origin: germline.
Comment: The p.G468S variant (also known as c.1402G>A), located in coding exon 8 of the MYLK gene, results from a G to A substitution at nucleotide position 1402. The glycine at codon 468 is replaced by serine, an amino acid with similar properties. This variant was reported in individual(s) with features consistent with aortic aneurysm (Ambry internal data). This amino acid position is not well conserved in available vertebrate species. In addition, this alteration is predicted to be tolerated by in silico analysis. Based on the available evidence, the clinical significance of this variant remains unclear.

NM_053025.4(MYLK):c.1402G>A (p.Gly468Ser)

Gene: MYLK (myosin light chain kinase; minus strand). Cytogenetic location: 3q21.1.
Variant type: single nucleotide variant.
Coding change: c.1402G>A on transcript NM_053025.4 (MANE Select); coding-DNA position 1402, G replaced by A.
Protein change: p.Gly468Ser; replaces glycine 468 with serine.
Molecular consequence: missense variant. On other transcripts: intron variant (2).
Genome position (GRCh38, 1-based): chr3:123,733,010, C>T on the plus strand (G>A on the coding strand, the complement: MYLK is on the minus strand). VCF-style: chr3-123733010-C-T. GRCh37 (hg19) VCF-style: chr3-123451857-C-T.
Other names: c.874G>A, p.Gly292Ser (NM_001321309.2); c.1402G>A, p.Gly468Ser (NM_053027.4); c.1309+677G>A (NM_053028.4, NM_053026.4); short protein forms G292S, G468S.
Identifiers: ClinVar variation 4825146 (VCV004825146.1).